The following is an entry in ClinVar:

NM_001013628.3(DCAF12L2):c.811A>G (p.Ser271Gly)

Gene: DCAF12L2 (DDB1 and CUL4 associated factor 12 like 2; minus strand). Cytogenetic location: Xq25.
Variant type: single nucleotide variant.
Coding change: c.811A>G on transcript NM_001013628.3 (MANE Select); coding-DNA position 811, A replaced by G.
Protein change: p.Ser271Gly; replaces serine 271 with glycine.
Molecular consequence: missense variant.
Genome position (GRCh38, 1-based): chrX:126,165,114, T>C on the plus strand (A>G on the coding strand, the complement: DCAF12L2 is on the minus strand). VCF-style: chrX-126165114-T-C. GRCh37 (hg19) VCF-style: chrX-125299097-T-C.
Other names: c.811A>G (NM_001013628.2); short protein forms S271G.
Identifiers: ClinVar variation 2661380 (VCV002661380.25), dbSNP rs199690770, ClinGen allele CA10510759.

ClinVar aggregate classification (germline): Conflicting classifications of pathogenicity. Review status: criteria provided, conflicting classifications (1 of 4 stars). 2 submissions from 2 submitters: Uncertain significance (1); Likely benign (1). Last evaluated 2025-04-01.

Allele frequency attached by ClinVar (database versions not stated): ESP Exome Variant Server 0.00009; TOPMed 0.00039; gnomAD 0.00040; gnomAD exomes 0.00040; ExAC 0.00057.

Submissions (2):

Ambry Genetics
Classification: Uncertain significance. Last evaluated: 2025-04-01. Review status: criteria provided, single submitter. Criteria: Ambry Variant Classification Scheme 2023. Collection method: clinical testing. Allele origin: germline.

CeGaT Center for Human Genetics Tuebingen
Classification: Likely benign. Last evaluated: 2022-11-01. Review status: criteria provided, single submitter. Criteria: CeGaT Center For Human Genetics Tuebingen Variant Classification Criteria Version 2. Collection method: clinical testing. Allele origin: germline. Affected: yes. Observed: 1 variant allele.
Comment: DCAF12L2: BP4, BS2